The following is an entry in ClinVar:

NC_000020.10:g.(?_62044783)_(62045566_?)del

Gene: KCNQ2 (potassium voltage-gated channel subfamily Q member 2; minus strand). Cytogenetic location: 20q13.33.
Variant type: Deletion.
Identifiers: ClinVar variation 3248240 (VCV003248240.1).

ClinVar aggregate classification (germline): Pathogenic (1 of 4 stars; one submission).

Conditions:
Developmental and epileptic encephalopathy. Identifiers: MedGen C5779964, MONDO:0100620.

Submission:

Labcorp Genetics (formerly Invitae), Labcorp
Classification: Pathogenic for Early-infantile DEE. Last evaluated: 2023-08-17. Review status: criteria provided, single submitter. Criteria: Invitae Variant Classification Sherloc (09022015). Collection method: clinical testing. Allele origin: unknown.
Comment: This variant is a gross deletion of the genomic region encompassing exon(s) 14-15 of the KCNQ2 gene. This deletion is out-of-frame, and is expected to create a premature termination codon and result in an absent or disrupted protein product. Loss-of-function variants in KCNQ2 are known to be pathogenic (PMID: 14534157, 23692823, 27779742). This variant has not been reported in the literature in individuals affected with KCNQ2-related conditions. For these reasons, this variant has been classified as Pathogenic.

Literature cited by the submitters: PubMed 14534157; PubMed 23692823; PubMed 27779742.